The following is an entry in ClinVar:

NM_181332.3(NLGN4X):c.310A>T (p.Thr104Ser)

Gene: NLGN4X (neuroligin 4 X-linked; minus strand). Cytogenetic location: Xp22.31.
Variant type: single nucleotide variant.
Coding change: c.310A>T on transcript NM_181332.3 (MANE Select); coding-DNA position 310, A replaced by T.
Protein change: p.Thr104Ser; replaces threonine 104 with serine.
Molecular consequence: missense variant.
Genome position (GRCh38, 1-based): chrX:6,151,157, T>A on the plus strand (A>T on the coding strand, the complement: NLGN4X is on the minus strand). VCF-style: chrX-6151157-T-A. GRCh37 (hg19) VCF-style: chrX-6069198-T-A.
Other names: c.310A>T, p.Thr104Ser (NM_001282145.2, NM_001282146.2, NM_020742.4); short protein forms T104S.
Identifiers: ClinVar variation 2413109 (VCV002413109.3), dbSNP rs2519421526, ClinGen allele CA412015022.

ClinVar aggregate classification (germline): Uncertain significance (1 of 4 stars; one submission).

Allele frequency attached by ClinVar (database versions not stated): gnomAD exomes below 0.00001.
gnomAD v4.1: 2 of 1,210,943 alleles (0.00017%); highest among the groups gnomAD compares: Non-Finnish European, 0.00022%; no homozygotes.

Submission:

GeneDx
Classification: Uncertain significance. Last evaluated: 2025-05-05. Review status: criteria provided, single submitter. Criteria: GeneDx Variant Classification Process June 2021. Collection method: clinical testing. Allele origin: germline.
Comment: Not observed at significant frequency in large population cohorts (gnomAD); In silico analysis supports that this missense variant has a deleterious effect on protein structure/function; Has not been previously published as pathogenic or benign to our knowledge